The following is an entry in ClinVar:

NM_001366521.1(ATP2B1):c.100C>G (p.Leu34Val)

Gene: ATP2B1 (ATPase plasma membrane Ca2+ transporting 1; minus strand). Cytogenetic location: 12q21.33.
Variant type: single nucleotide variant.
Coding change: c.100C>G on transcript NM_001366521.1 (MANE Select); coding-DNA position 100, C replaced by G.
Protein change: p.Leu34Val; replaces leucine 34 with valine.
Molecular consequence: missense variant. On other transcripts: non-coding transcript variant (3).
Genome position (GRCh38, 1-based): chr12:89,655,787, G>C on the plus strand (C>G on the coding strand, the complement: ATP2B1 is on the minus strand). VCF-style: chr12-89655787-G-C. GRCh37 (hg19) VCF-style: chr12-90049564-G-C.
Other names: c.100C>G, p.Leu34Val (NM_001001323.2, NM_001366520.1, NM_001366522.1 and 26 more transcripts); short protein forms L34V.
Identifiers: ClinVar variation 3361883 (VCV003361883.1).

ClinVar aggregate classification (germline): Uncertain significance (1 of 4 stars; one submission).

Submission:

GeneDx
Classification: Uncertain significance. Last evaluated: 2023-08-10. Review status: criteria provided, single submitter. Criteria: GeneDx Variant Classification Process June 2021. Collection method: clinical testing. Allele origin: germline. Affected: yes.
Comment: Has not been previously published as pathogenic or benign to our knowledge; Not observed at significant frequency in large population cohorts (gnomAD); In silico analysis supports that this missense variant has a deleterious effect on protein structure/function